The following is an entry in ClinVar:

ClinVar aggregate classification (germline): Uncertain significance (1 of 4 stars; one submission).

Submission:

GeneDx
Classification: Uncertain significance. Last evaluated: 2024-09-20. Review status: criteria provided, single submitter. Criteria: GeneDx Variant Classification Process June 2021. Collection method: clinical testing. Allele origin: germline. Affected: yes.
Comment: Not observed at significant frequency in large population cohorts (gnomAD); In silico analysis indicates that this missense variant does not alter protein structure/function; Has not been previously published as pathogenic or benign to our knowledge

NM_003128.3(SPTBN1):c.1651G>A (p.Val551Ile)

Gene: SPTBN1 (spectrin beta, non-erythrocytic 1; plus strand). Cytogenetic location: 2p16.2.
Variant type: single nucleotide variant.
Coding change: c.1651G>A on transcript NM_003128.3 (MANE Select); coding-DNA position 1651, G replaced by A.
Protein change: p.Val551Ile; replaces valine 551 with isoleucine.
Molecular consequence: missense variant.
Genome position (GRCh38, 1-based): chr2:54,628,103, G>A. VCF-style: chr2-54628103-G-A. GRCh37 (hg19) VCF-style: chr2-54855240-G-A.
Other names: c.1612G>A, p.Val538Ile (NM_178313.3); short protein forms V538I, V551I.
Identifiers: ClinVar variation 3774186 (VCV003774186.1).
Genomic context (GRCh38, chr2:54,628,103, plus strand): 5'-GCTGAAGTCAAGGCTATAGTCACAGATGTCCTTTTGGTTGCTTCTTGTGCACAGGTGCTA[G>A]TATTGTCTCAAGACTATGGCAAACACTTACTTGGTGTGGAAGACCTGTTACAGAAGCACA-3'
Protein context (NP_003119.2, residues 541-561): MDWMDEMKVL[Val551Ile]LSQDYGKHLL